The following is an entry in ClinVar:

NM_001082486.2(ACD):c.373C>G (p.Leu125Val)

Gene: ACD (ACD shelterin complex subunit and telomerase recruitment factor; minus strand). Cytogenetic location: 16q22.1.
Variant type: single nucleotide variant.
Coding change: c.373C>G on transcript NM_001082486.2 (MANE Select); coding-DNA position 373, C replaced by G.
Protein change: p.Leu125Val; replaces leucine 125 with valine.
Molecular consequence: missense variant.
Genome position (GRCh38, 1-based): chr16:67,659,577, G>C on the plus strand (C>G on the coding strand, the complement: ACD is on the minus strand). VCF-style: chr16-67659577-G-C. GRCh37 (hg19) VCF-style: chr16-67693480-G-C.
Other names: c.373C>G, p.Leu125Val (NM_001410884.1); c.364C>G, p.Leu122Val (NM_022914.3); short protein forms L122V, L125V.
Identifiers: ClinVar variation 3232679 (VCV003232679.1), dbSNP rs2052957597, ClinGen allele CA396355374.

ClinVar aggregate classification (germline): Uncertain significance (1 of 4 stars; one submission).

Conditions:
Inborn genetic diseases. Identifiers: MedGen C0950123, MeSH D030342.

Submission:

Ambry Genetics
Classification: Uncertain significance for Inborn genetic diseases. Last evaluated: 2024-01-31. Review status: criteria provided, single submitter. Criteria: Ambry Variant Classification Scheme 2023. Collection method: clinical testing. Allele origin: germline.
Comment: The p.L211V variant (also known as c.631C>G), located in coding exon 4 of the ACD gene, results from a C to G substitution at nucleotide position 631. The leucine at codon 211 is replaced by valine, an amino acid with highly similar properties. This amino acid position is conserved. In addition, this alteration is predicted to be tolerated by in silico analysis. Based on the available evidence, the clinical significance of this alteration remains unclear.